The following is an entry in ClinVar:

NM_004431.5(EPHA2):c.1675C>T (p.His559Tyr)

Gene: EPHA2 (EPH receptor A2; minus strand). Cytogenetic location: 1p36.13.
Variant type: single nucleotide variant.
Coding change: c.1675C>T on transcript NM_004431.5 (MANE Select); coding-DNA position 1675, C replaced by T.
Protein change: p.His559Tyr; replaces histidine 559 with tyrosine.
Molecular consequence: missense variant.
Genome position (GRCh38, 1-based): chr1:16,134,475, G>A on the plus strand (C>T on the coding strand, the complement: EPHA2 is on the minus strand). VCF-style: chr1-16134475-G-A. GRCh37 (hg19) VCF-style: chr1-16460970-G-A.
Other names: c.1513C>T, p.His505Tyr (NM_001329090.2); c.1675C>T (NM_004431.4); short protein forms H559Y, H505Y.
Identifiers: ClinVar variation 4018647 (VCV004018647.2).

ClinVar aggregate classification (germline): Conflicting classifications of pathogenicity. Review status: criteria provided, conflicting classifications (1 of 4 stars). 2 submissions from 2 submitters: Uncertain significance (1); Likely benign (1). Last evaluated 2025-04-17.

Conditions:
EPHA2-related disorder. Also called: EPHA2-related condition.
Inborn genetic diseases. Identifiers: MedGen C0950123, MeSH D030342.

gnomAD v4.1: 28 of 1,613,980 alleles (0.0017%); highest among the groups gnomAD compares: Admixed American, 0.047%; no homozygotes.

Submissions (2):

PreventionGenetics, part of Exact Sciences
Classification: Likely benign for EPHA2-related condition. Last evaluated: 2025-04-17. Review status: criteria provided, single submitter. Criteria: ACMG Guidelines, 2015. Collection method: clinical testing. Allele origin: germline.
Comment: This variant is classified as likely benign based on ACMG/AMP sequence variant interpretation guidelines (Richards et al. 2015 PMID: 25741868, with internal and published modifications).

Ambry Genetics
Classification: Uncertain significance for Inborn genetic diseases. Last evaluated: 2025-04-09. Review status: criteria provided, single submitter. Criteria: Ambry Variant Classification Scheme 2023. Collection method: clinical testing. Allele origin: germline.